The following is an entry in ClinVar:

ClinVar aggregate classification (germline): Likely pathogenic (1 of 4 stars; one submission).

Submission:

Labcorp Genetics (formerly Invitae), Labcorp
Classification: Likely pathogenic. Last evaluated: 2023-02-14. Review status: criteria provided, single submitter. Criteria: Invitae Variant Classification Sherloc (09022015). Collection method: clinical testing. Allele origin: germline.
Comment: This variant is not present in population databases (gnomAD no frequency). In summary, the currently available evidence indicates that the variant is pathogenic, but additional data are needed to prove that conclusively. Therefore, this variant has been classified as Likely Pathogenic. Algorithms developed to predict the effect of sequence changes on RNA splicing suggest that this variant may disrupt the consensus splice site. This variant has not been reported in the literature in individuals affected with VLDLR-related conditions. This sequence change affects a splice site in intron 17 of the VLDLR gene. It is expected to disrupt RNA splicing. Variants that disrupt the donor or acceptor splice site typically lead to a loss of protein function (PMID: 16199547), and loss-of-function variants in VLDLR are known to be pathogenic (PMID: 18043714, 18326629, 22532556).

Literature cited by the submitters: PubMed 16199547; PubMed 18043714; PubMed 18326629; PubMed 22532556.

NM_003383.5(VLDLR):c.2417-2del

Gene: VLDLR (very low density lipoprotein receptor; plus strand). Cytogenetic location: 9p24.2.
Variant type: Deletion.
Coding change: c.2417-2del on transcript NM_003383.5 (MANE Select); the canonical splice acceptor site of the intron before coding-DNA position 2417, one base deleted (A; older notation c.2417-2delA).
Molecular consequence: splice acceptor variant.
Genome position (GRCh38, 1-based): chr9:2,652,778, A deleted. VCF-style (leftmost placement, unchanged base first): chr9-2652777-CA-C. GRCh37 (hg19) VCF-style: chr9-2652777-CA-C.
Other names: c.2333-2del (NM_001018056.3); c.2294-2del (NM_001322225.2); c.2210-2del (NM_001322226.2).
Identifiers: ClinVar variation 2836814 (VCV002836814.3), dbSNP rs2488748772, ClinGen allele CA2739269091.